The following is an entry in ClinVar:

ClinVar aggregate classification (germline): Benign/Likely benign. Review status: criteria provided, multiple submitters, no conflicts (2 of 4 stars). 6 submissions from 6 submitters: Benign (5); Likely benign (1). Last evaluated 2026-02-04.

Conditions:
Junctional epidermolysis bullosa with pyloric atresia. Also called: CARMI SYNDROME; EPIDERMOLYSIS BULLOSA, JUNCTIONAL 5B, WITH PYLORIC ATRESIA; APLASIA CUTIS CONGENITA WITH GASTROINTESTINAL ATRESIA; EB-PA-ACC; ITGB4-Related Epidermolysis Bullosa with Pyloric Atresia; Epidermolysis bullosa, junctional, with pyloric atresia and aplasia cutis congenita. Identifiers: Orphanet 79403, MedGen C5676875, MONDO:0009183, OMIM 226730.

Allele frequency attached by ClinVar (database versions not stated): 1000 Genomes Project 30x 0.01562; 1000 Genomes Project 0.01617; TOPMed 0.02551; gnomAD 0.02838 and 0.02922; ExAC 0.02882; ESP Exome Variant Server 0.03083.
gnomAD v4.1: 58,988 of 1,614,092 alleles (3.7%); highest among the groups gnomAD compares: Non-Finnish European, 4.2%; 1,245 homozygotes.

Submissions (6):

Labcorp Genetics (formerly Invitae), Labcorp
Classification: Benign. Last evaluated: 2026-02-04. Review status: criteria provided, single submitter. Criteria: Invitae Variant Classification Sherloc (09022015). Collection method: clinical testing. Allele origin: germline.

Blueprint Genetics
Classification: Likely benign. Last evaluated: 2024-11-27. Review status: criteria provided, single submitter. Criteria: ACMG Guidelines, 2015. Collection method: clinical testing. Allele origin: germline.

Mayo Clinic Laboratories, Mayo Clinic
Classification: Benign. Last evaluated: 2022-03-09. Review status: criteria provided, single submitter. Criteria: ACMG Guidelines, 2015. Collection method: clinical testing. Allele origin: germline. Observed: 7 variant alleles.

GeneDx
Classification: Benign. Last evaluated: 2018-07-09. Review status: criteria provided, single submitter. Criteria: GeneDx Variant Classification Process June 2021. Collection method: clinical testing. Allele origin: germline. Affected: yes.

Illumina Laboratory Services, Illumina
Classification: Benign for Junctional epidermolysis bullosa with pyloric atresia. Last evaluated: 2018-01-13. Review status: criteria provided, single submitter. Criteria: ICSL Variant Classification Criteria 13 December 2019. Collection method: clinical testing. Allele origin: germline.
Comment: This variant was observed in the ICSL laboratory as part of a predisposition screen in an ostensibly healthy population. It had not been previously curated by ICSL or reported in the Human Gene Mutation Database (HGMD: prior to June 1st, 2018), and was therefore a candidate for classification through an automated scoring system. Utilizing variant allele frequency, disease prevalence and penetrance estimates, and inheritance mode, an automated score was calculated to assess if this variant is too frequent to cause the disease. Based on the score and internal cut-off values, a variant classified as benign is not then subjected to further curation. The score for this variant resulted in a classification of benign for this disease.

Breakthrough Genomics
Classification: Benign. Review status: criteria provided, single submitter. Criteria: ACMG Guidelines, 2015. Collection method: not provided. Allele origin: germline. Inheritance: Autosomal recessive inheritance. Affected: yes.

NM_000213.5(ITGB4):c.702C>T (p.Gly234=)

Gene: ITGB4 (integrin subunit beta 4; plus strand). Cytogenetic location: 17q25.1.
Variant type: single nucleotide variant.
Coding change: c.702C>T on transcript NM_000213.5 (MANE Select); coding-DNA position 702, C replaced by T.
Protein change: p.Gly234=; no amino-acid change (glycine 234 retained).
Molecular consequence: synonymous variant.
Genome position (GRCh38, 1-based): chr17:75,729,400, C>T. VCF-style: chr17-75729400-C-T. GRCh37 (hg19) VCF-style: chr17-73725481-C-T.
Other names: p.Gly234=; c.702C>T, p.Gly234= (NM_001005619.2, NM_001005731.3, NM_001321123.2).
Identifiers: ClinVar variation 325124 (VCV000325124.17), dbSNP rs61751843, ClinGen allele CA8768746.